The following is an entry in ClinVar:

ClinVar aggregate classification (germline): Pathogenic. Review status: reviewed by expert panel (3 of 4 stars). 3 submissions from 3 submitters: Pathogenic (1). 2 of the submissions do not count toward it. Last evaluated 2023-09-21.

Conditions:
Hereditary antithrombin deficiency (AT3D). Also called: Antithrombin deficiency; Thrombophilia due to antithrombin III deficiency; Antithrombin III deficiency; Reduced antithrombin III activity. Identifiers: Orphanet 82, MedGen C0272375, MONDO:0013144, OMIM 613118, HP:0001976.
Abnormal thrombosis. Identifiers: MedGen C4025731, HP:0001977.

Allele frequency attached by ClinVar (database versions not stated): gnomAD exomes below 0.00001; TOPMed below 0.00001; gnomAD 0.00001.
gnomAD v4.1: 2 of 1,614,008 alleles (0.00012%); highest among the groups gnomAD compares: East Asian, 0.0022%; no homozygotes.

Submissions (3):

Clingen Thrombosis Variant Curation Expert Panel, ClinGen
Classification: Pathogenic for Hereditary antithrombin deficiency. Last evaluated: 2023-09-21. Review status: reviewed by expert panel. Criteria: ClinGen ACMG Specifications SERPINC1 V1.0.0. Collection method: curation. Allele origin: germline. Inheritance: Autosomal dominant inheritance.
Comment: The c.1315C>A (p.Pro439Thr) variant is reported at an MAF of (FAF not available), 1/68048 alleles in the non-Finnish European population in gnomAD v3.1.1 and meets criteria for PM2_Supporting (threshold <0.00002). It has a REVEL score of 0.88 and meets criteria for PP3. Several probands can be counted across the literature, who meet phenotype criteria for AT deficiency with a mix of repeat sampling, meeting PP4 and PS4. Four segregations are counted across two families meeting criteria for PP1_Moderate. Expression of mutant AT, 439Thr-AT, in HEK293 cells described in PMID: 18480576 revealed decrease in AT secretion, meeting criteria for PS3_Supporting. In summary, the variant meets criteria to be classified as pathogenic. ACMG/AMP criteria applied, as specified by the Thrombosis Variant Curation Expert Panel for SERPINC1: PS4, PP1_Moderate, PP3, PP4, PM2_Supporting, PS3_Supporting.

Labcorp Genetics (formerly Invitae), Labcorp
Classification: Pathogenic for Hereditary antithrombin deficiency. Last evaluated: 2025-09-03. Review status: criteria provided, single submitter. Criteria: Invitae Variant Classification Sherloc (09022015). Collection method: clinical testing. Allele origin: germline. Not counted in ClinVar's aggregate classification.
Comment: This sequence change replaces proline, which is neutral and non-polar, with threonine, which is neutral and polar, at codon 439 of the SERPINC1 protein (p.Pro439Thr). This variant is not present in population databases (gnomAD no frequency). This missense change has been observed in individual(s) with antithrombin III deficiency (PMID: 1469094, 24814625, 28229161, 29153735, 31030036, 31064749). This variant is also known as P407T. ClinVar contains an entry for this variant (Variation ID: 627228). Invitae Evidence Modeling of protein sequence and biophysical properties (such as structural, functional, and spatial information, amino acid conservation, physicochemical variation, residue mobility, and thermodynamic stability) indicates that this missense variant is expected to disrupt SERPINC1 protein function with a positive predictive value of 95%. Experimental studies have shown that this missense change affects SERPINC1 function (PMID: 18480576). This variant disrupts the p.Pro439 amino acid residue in SERPINC1. Other variant(s) that disrupt this residue have been determined to be pathogenic (PMID: 16705712, 23910795, 28300866; internal data). This suggests that this residue is clinically significant, and that variants that disrupt this residue are likely to be disease-causing. For these reasons, this variant has been classified as Pathogenic.

NIHR Bioresource Rare Diseases, University of Cambridge
Classification: Likely pathogenic for Abnormal thrombosis. Last evaluated: 2019-02-01. Review status: criteria provided, single submitter. Criteria: ACMG Guidelines, 2015. Collection method: research. Allele origin: unknown. Affected: yes. Observed: 1 heterozygote. Study: ThromboGenomics. Not counted in ClinVar's aggregate classification.

Literature cited by the submitters: PubMed 1469094 (cited by Labcorp Genetics (formerly Invitae), Labcorp); PubMed 24814625 (cited by Labcorp Genetics (formerly Invitae), Labcorp); PubMed 28229161 (cited by Labcorp Genetics (formerly Invitae), Labcorp); PubMed 29153735 (cited by Labcorp Genetics (formerly Invitae), Labcorp); PubMed 31030036 (cited by Labcorp Genetics (formerly Invitae), Labcorp); PubMed 31064749 (cited by Labcorp Genetics (formerly Invitae), Labcorp and NIHR Bioresource Rare Diseases, University of Cambridge); PubMed 18480576 (cited by Labcorp Genetics (formerly Invitae), Labcorp); PubMed 16705712 (cited by Labcorp Genetics (formerly Invitae), Labcorp); PubMed 23910795 (cited by Labcorp Genetics (formerly Invitae), Labcorp); PubMed 28300866 (cited by Labcorp Genetics (formerly Invitae), Labcorp).

NM_000488.4(SERPINC1):c.1315C>A (p.Pro439Thr)

Gene: SERPINC1 (serpin family C member 1; minus strand). Cytogenetic location: 1q25.1.
Variant type: single nucleotide variant.
Coding change: c.1315C>A on transcript NM_000488.4 (MANE Select); coding-DNA position 1315, C replaced by A.
Protein change: p.Pro439Thr; replaces proline 439 with threonine.
Molecular consequence: missense variant.
Genome position (GRCh38, 1-based): chr1:173,903,969, G>T on the plus strand (C>A on the coding strand, the complement: SERPINC1 is on the minus strand). VCF-style: chr1-173903969-G-T. GRCh37 (hg19) VCF-style: chr1-173873107-G-T.
Other names: NM_000488.3(SERPINC1):c.1315C>A; p.Pro439Thr; c.1171C>A, p.Pro391Thr (NM_001365052.2); c.1438C>A, p.Pro480Thr (NM_001386302.1); c.1396C>A, p.Pro466Thr (NM_001386303.1); c.1294C>A, p.Pro432Thr (NM_001386304.1); c.1258C>A, p.Pro420Thr (NM_001386305.1); c.1099C>A, p.Pro367Thr (NM_001386306.1); short protein forms P439T, P391T, P367T, P420T, P432T, P466T, P480T.
Identifiers: ClinVar variation 627228 (VCV000627228.5), dbSNP rs1487411568, ClinGen allele CA343772370.